The following is an entry in ClinVar:

NM_000179.3(MSH6):c.2355T>C (p.His785=)

Gene: MSH6 (mutS homolog 6; plus strand). Cytogenetic location: 2p16.3.
Variant type: single nucleotide variant.
Coding change: c.2355T>C on transcript NM_000179.3 (MANE Select); coding-DNA position 2355, T replaced by C.
Protein change: p.His785=; no amino-acid change (histidine 785 retained).
Molecular consequence: synonymous variant.
Genome position (GRCh38, 1-based): chr2:47,800,338, T>C. VCF-style: chr2-47800338-T-C. GRCh37 (hg19) VCF-style: chr2-48027477-T-C.
Other names: c.1965T>C, p.His655= (NM_001281492.2); c.1449T>C, p.His483= (NM_001281493.2, NM_001281494.2).
Identifiers: ClinVar variation 1110446 (VCV001110446.10), dbSNP rs1060502942, ClinGen allele CA426121639.

ClinVar aggregate classification (germline): Benign/Likely benign. Review status: criteria provided, multiple submitters, no conflicts (2 of 4 stars). 2 submissions from 2 submitters: Benign (1); Likely benign (1). Last evaluated 2024-12-31.

Conditions:
Lynch syndrome 5 (LYNCH5). Also called: Hereditary non-polyposis colorectal cancer, type 5; Colorectal cancer, hereditary nonpolyposis, type 5. Identifiers: Orphanet 144, MedGen C1833477, MONDO:0013710, OMIM 614350. Disease mechanism: loss of function.
Hereditary nonpolyposis colorectal neoplasms. Identifiers: MedGen C0009405, MeSH D003123.

Allele frequency attached by ClinVar (database versions not stated): gnomAD exomes below 0.00001.
gnomAD v4.1: 1 of 1,614,100 alleles (0.000062%); no homozygotes.

Submissions (2):

Myriad Genetics, Inc.
Classification: Benign for Lynch syndrome 5. Last evaluated: 2024-12-31. Review status: criteria provided, single submitter. Criteria: Myriad Autosomal Dominant, Autosomal Recessive and X-Linked Classification Criteria (2023). Collection method: clinical testing. Allele origin: unknown.
Comment: This variant is considered benign. This variant is a silent/synonymous amino acid change and it is not expected to impact splicing.

Labcorp Genetics (formerly Invitae), Labcorp
Classification: Likely benign for Hereditary nonpolyposis colorectal neoplasms. Last evaluated: 2023-05-19. Review status: criteria provided, single submitter. Criteria: Invitae Variant Classification Sherloc (09022015). Collection method: clinical testing. Allele origin: germline.